The following is an entry in ClinVar:

NM_001927.4(DES):c.1055T>C (p.Leu352Ser)

Gene: DES (desmin; plus strand). Cytogenetic location: 2q35.
Variant type: single nucleotide variant.
Coding change: c.1055T>C on transcript NM_001927.4 (MANE Select); coding-DNA position 1055, T replaced by C.
Protein change: p.Leu352Ser; replaces leucine 352 with serine.
Molecular consequence: missense variant. On other transcripts: intron variant (2).
Genome position (GRCh38, 1-based): chr2:219,421,371, T>C. VCF-style: chr2-219421371-T-C. GRCh37 (hg19) VCF-style: chr2-220286093-T-C.
Other names: c.1052T>C, p.Leu351Ser (NM_001382708.1); c.1034T>C, p.Leu345Ser (NM_001382711.1); c.1055T>C, p.Leu352Ser (NM_001382712.1); c.785T>C, p.Leu262Ser (NM_001382713.1); c.1024-38T>C (NM_001382710.1); c.736-113T>C (NM_001382709.1); short protein forms L262S, L345S, L352S, L351S.
Identifiers: ClinVar variation 947073 (VCV000947073.8), dbSNP rs775085773, ClinGen allele CA2125232.

ClinVar aggregate classification (germline): Likely pathogenic (1 of 4 stars; one submission).

Conditions:
Desmin-related myofibrillar myopathy (MFM1). Also called: Desminopathy; Desmin related myopathy (former name); Desmin storage myopathy (former name); Myofibrillar myopathy 1; MYOFIBRILLAR MYOPATHY WITH ARRHYTHMOGENIC RIGHT VENTRICULAR CARDIOMYOPATHY; DESMIN-RELATED MYOPATHY WITH ARRHYTHMOGENIC RIGHT VENTRICULAR CARDIOMYOPATHY. Identifiers: Orphanet 363543, Orphanet 98909, MedGen C1832370, MONDO:0011076, OMIM 601419.

Allele frequency attached by ClinVar (database versions not stated): gnomAD exomes below 0.00001 and 0.00001; ExAC 0.00002.
gnomAD v4.1: 2 of 1,614,074 alleles (0.00012%); highest among the groups gnomAD compares: Non-Finnish European, 0.00017%; no homozygotes.

Submission:

Labcorp Genetics (formerly Invitae), Labcorp
Classification: Likely pathogenic for Desmin-related myofibrillar myopathy. Last evaluated: 2025-02-26. Review status: criteria provided, single submitter. Criteria: Invitae Variant Classification Sherloc (09022015). Collection method: clinical testing. Allele origin: germline.
Comment: This sequence change replaces leucine, which is neutral and non-polar, with serine, which is neutral and polar, at codon 352 of the DES protein (p.Leu352Ser). This variant is present in population databases (rs775085773, gnomAD 0.002%). This missense change has been observed in individual(s) with clinical features of autosomal dominant myofibrillar myopathy (internal data). In at least one individual the variant was observed to be de novo. ClinVar contains an entry for this variant (Variation ID: 947073). Invitae Evidence Modeling of protein sequence and biophysical properties (such as structural, functional, and spatial information, amino acid conservation, physicochemical variation, residue mobility, and thermodynamic stability) has been performed for this missense variant. However, the output from this modeling did not meet the statistical confidence thresholds required to predict the impact of this variant on DES protein function. In summary, the currently available evidence indicates that the variant is pathogenic, but additional data are needed to prove that conclusively. Therefore, this variant has been classified as Likely Pathogenic.